The following is an entry in ClinVar:

NM_001943.5(DSG2):c.*1339G>A

Genes: DSG2 (desmoglein 2; plus strand), DSG2-AS1 (DSG2 antisense RNA 1; minus strand). Cytogenetic location: 18q12.1.
Variant type: single nucleotide variant.
Coding change: c.*1339G>A on transcript NM_001943.5 (MANE Select); 1339 bases downstream of the stop codon, G replaced by A.
Molecular consequence: 3 prime UTR variant.
Genome position (GRCh38, 1-based): chr18:31,548,082, G>A. VCF-style: chr18-31548082-G-A. GRCh37 (hg19) VCF-style: chr18-29128045-G-A.
Other names: c.*1339G>A (LRG_397t1).
Identifiers: ClinVar variation 326528 (VCV000326528.6), dbSNP rs9304101, ClinGen allele CA10647498.
Genomic context (GRCh38, chr18:31,548,082, plus strand): 5'-TGCCAAAAATCTCAAAAGGCCCTGTATTTATGTAATTCTTTGAAATTATTATTTTATTTT[G>A]ATTTCTCAGTTATTGACTGGCTGGGTGTGACTTAGTACATAAGTACTCAATATTATAAAA-3'

ClinVar aggregate classification (germline): Benign. Review status: criteria provided, multiple submitters, no conflicts (2 of 4 stars). 2 submissions from 2 submitters: Benign (2). Last evaluated 2018-01-12.

Conditions:
Arrhythmogenic right ventricular dysplasia 10. Also called: Arrhythmogenic Right Ventricular Dysplasia/Cardiomyopathy10; ARRHYTHMOGENIC RIGHT VENTRICULAR DYSPLASIA, FAMILIAL, 10; Arrhythmogenic right ventricular dysplasia/cardiomyopathy, type 10. Identifiers: MedGen C1857777, MONDO:0012434, OMIM 610193.

Allele frequency attached by ClinVar (database versions not stated): TOPMed 0.13636; 1000 Genomes Project 0.11861; 1000 Genomes Project 30x 0.12258; gnomAD 0.13286 and 0.13688.

Submissions (2):

Illumina Laboratory Services, Illumina
Classification: Benign for Arrhythmogenic right ventricular dysplasia 10. Last evaluated: 2018-01-12. Review status: criteria provided, single submitter. Criteria: ICSL Variant Classification Criteria 13 December 2019. Collection method: clinical testing. Allele origin: germline.
Comment: This variant was observed in the ICSL laboratory as part of a predisposition screen in an ostensibly healthy population. It had not been previously curated by ICSL or reported in the Human Gene Mutation Database (HGMD: prior to June 1st, 2018), and was therefore a candidate for classification through an automated scoring system. Utilizing variant allele frequency, disease prevalence and penetrance estimates, and inheritance mode, an automated score was calculated to assess if this variant is too frequent to cause the disease. Based on the score and internal cut-off values, a variant classified as benign is not then subjected to further curation. The score for this variant resulted in a classification of benign for this disease.

Breakthrough Genomics
Classification: Benign. Review status: criteria provided, single submitter. Criteria: ACMG Guidelines, 2015. Collection method: not provided. Allele origin: germline. Inheritance: Autosomal recessive inheritance. Affected: yes.